The following is an entry in ClinVar:

NM_021830.5(TWNK):c.1975G>A (p.Ala659Thr)

Gene: TWNK (twinkle mtDNA helicase; plus strand). Cytogenetic location: 10q24.31.
Variant type: single nucleotide variant.
Coding change: c.1975G>A on transcript NM_021830.5 (MANE Select); coding-DNA position 1975, G replaced by A.
Protein change: p.Ala659Thr; replaces alanine 659 with threonine.
Molecular consequence: missense variant. On other transcripts: 3 prime UTR variant (2), non-coding transcript variant (5).
Genome position (GRCh38, 1-based): chr10:100,993,430, G>A. VCF-style: chr10-100993430-G-A. GRCh37 (hg19) VCF-style: chr10-102753187-G-A.
Other names: p.Ala659Thr; c.*270G>A (NM_001163812.2, NM_001163814.2); c.613G>A, p.Ala205Thr (NM_001163813.2, NM_001368275.1); short protein forms A659T, A205T.
Identifiers: ClinVar variation 214178 (VCV000214178.19), dbSNP rs370814108, ClinGen allele CA324977.

ClinVar aggregate classification (germline): Conflicting classifications of pathogenicity. Review status: criteria provided, conflicting classifications (1 of 4 stars). 13 submissions from 8 submitters: Uncertain significance (10); Benign (3). Last evaluated 2026-05-05.

Conditions:
Infantile onset spinocerebellar ataxia (MTDPS7). Also called: OHAHA SYNDROME; SPINOCEREBELLAR ATAXIA, INFANTILE, WITH SENSORY NEUROPATHY; OPHTHALMOPLEGIA, HYPOTONIA, ATAXIA, HYPOACUSIS, AND ATHETOSIS; Mitochondrial DNA depletion syndrome 7 (hepatocerebral type). Identifiers: Orphanet 1186, MedGen C1849096, MONDO:0010060, OMIM 271245.
Perrault syndrome 5 (PRLTS5). Identifiers: Orphanet 2855, MedGen C4015307, MONDO:0014504, OMIM 616138.
Autosomal recessive cerebellar ataxia. Also called: Spinocerebellar ataxia, autosomal recessive; Spinocerebellar Ataxia, Recessive. Identifiers: Orphanet 1172, MedGen C5575375, MONDO:0015244.
Progressive external ophthalmoplegia with mitochondrial DNA deletions, autosomal dominant 3. Also called: PROGRESSIVE EXTERNAL OPHTHALMOPLEGIA, AUTOSOMAL DOMINANT 3. Identifiers: MedGen C1836439, MONDO:0012241, OMIM 609286.
Sensory ataxic neuropathy, dysarthria, and ophthalmoparesis (SANDO). Also called: Epilepsy, progressive myoclonic, type 5; SENSORY ATAXIC NEUROPATHY WITH MITOCHONDRIAL DNA DELETIONS, AUTOSOMAL RECESSIVE; Sensory ataxic neuropathy-dysarthria-ophthalmoparesis syndrome; Ataxia Neuropathy Spectrum (ANS). Identifiers: Orphanet 70595, MedGen C1843851, MONDO:0011835, OMIM 607459.

Allele frequency attached by ClinVar (database versions not stated): gnomAD 0.00005 and 0.00006; TOPMed 0.00005; ESP Exome Variant Server 0.00008; ExAC 0.00010; gnomAD exomes 0.00013.
gnomAD v4.1: 122 of 1,614,062 alleles (0.0076%); highest among the groups gnomAD compares: Non-Finnish European, 0.0014%; no homozygotes.

Submissions (13):

Women's Health and Genetics/Laboratory Corporation of America, LabCorp
Classification: Uncertain significance. Last evaluated: 2026-05-05. Review status: criteria provided, single submitter. Criteria: LabCorp Variant Classification Summary - May 2015. Collection method: clinical testing. Allele origin: germline.
Comment: Variant summary: TWNK c.1975G>A (p.Ala659Thr) results in a non-conservative amino acid change in the encoded protein sequence. Algorithms developed to predict the effect of missense changes on protein structure and function are either unavailable or do not agree on the potential impact of this missense change. The variant allele was found at a frequency of 0.00013 in 251356 control chromosomes. This frequency is not significantly higher than estimated for disease-causing variants in TWNK, allowing no conclusion about variant significance. c.1975G>A has been observed in individual(s) affected with progressive external opthahmoplegia and mtDNA Depletion syndrome 7 without reported genotypes (e.g. Peter_2020). These report(s) do not provide unequivocal conclusions about association of the variant with Infantile Onset Spinocerebellar Ataxia. To our knowledge, no experimental evidence demonstrating an impact on protein function has been reported. The following publication has been ascertained in the context of this evaluation (PMID: 32283748). ClinVar contains an entry for this variant (Variation ID: 214178). Based on the evidence outlined above, the variant was classified as uncertain significance.

Labcorp Genetics (formerly Invitae), Labcorp
Classification: Benign. Last evaluated: 2026-02-01. Review status: criteria provided, single submitter. Criteria: Invitae Variant Classification Sherloc (09022015). Collection method: clinical testing. Allele origin: germline.

Baylor Genetics
Classification: Uncertain significance for Infantile onset spinocerebellar ataxia. Last evaluated: 2024-02-13. Review status: criteria provided, single submitter. Criteria: ACMG Guidelines, 2015. Collection method: clinical testing. Allele origin: unknown.

Baylor Genetics
Classification: Uncertain significance for Progressive external ophthalmoplegia with mitochondrial DNA deletions, autosomal dominant 3. Last evaluated: 2024-02-13. Review status: criteria provided, single submitter. Criteria: ACMG Guidelines, 2015. Collection method: clinical testing. Allele origin: unknown.

Baylor Genetics
Classification: Uncertain significance for Perrault syndrome 5. Last evaluated: 2024-02-13. Review status: criteria provided, single submitter. Criteria: ACMG Guidelines, 2015. Collection method: clinical testing. Allele origin: unknown.

Mayo Clinic Laboratories, Mayo Clinic
Classification: Uncertain significance. Last evaluated: 2023-12-18. Review status: criteria provided, single submitter. Criteria: ACMG Guidelines, 2015. Collection method: clinical testing. Allele origin: germline. Observed: 1 variant allele.
Comment: BP4

Blueprint Genetics
Classification: Uncertain significance. Last evaluated: 2023-06-15. Review status: criteria provided, single submitter. Criteria: ACMG Guidelines, 2015. Collection method: clinical testing. Allele origin: germline.

New York Genome Center
Classification: Uncertain significance for Infantile onset spinocerebellar ataxia; Perrault syndrome 5. Last evaluated: 2021-04-02. Review status: criteria provided, single submitter. Criteria: NYGC Assertion Criteria 2020. Collection method: clinical testing. Allele origin: inherited. Observed: 1 compound heterozygote. Study: CSER-NYCKidSeq.

Illumina Laboratory Services, Illumina
Classification: Uncertain significance for Infantile onset spinocerebellar ataxia. Last evaluated: 2018-01-13. Review status: criteria provided, single submitter. Criteria: ICSL Variant Classification Criteria 13 December 2019. Collection method: clinical testing. Allele origin: germline.

Illumina Laboratory Services, Illumina
Classification: Benign for Sensory ataxic neuropathy-dysarthria-ophthalmoparesis syndrome. Last evaluated: 2018-01-13. Review status: criteria provided, single submitter. Criteria: ICSL Variant Classification Criteria 13 December 2019. Collection method: clinical testing. Allele origin: germline.
Comment: This variant was observed in the ICSL laboratory as part of a predisposition screen in an ostensibly healthy population. It had not been previously curated by ICSL or reported in the Human Gene Mutation Database (HGMD: prior to June 1st, 2018), and was therefore a candidate for classification through an automated scoring system. Utilizing variant allele frequency, disease prevalence and penetrance estimates, and inheritance mode, an automated score was calculated to assess if this variant is too frequent to cause the disease. Based on the score and internal cut-off values, a variant classified as benign is not then subjected to further curation. The score for this variant resulted in a classification of benign for this disease.

Illumina Laboratory Services, Illumina
Classification: Benign for Progressive external ophthalmoplegia with mitochondrial DNA deletions, autosomal dominant 3. Last evaluated: 2018-01-13. Review status: criteria provided, single submitter. Criteria: ICSL Variant Classification Criteria 13 December 2019. Collection method: clinical testing. Allele origin: germline.
Comment: the same text as in the submission from Illumina Laboratory Services, Illumina above.

Illumina Laboratory Services, Illumina
Classification: Uncertain significance for Autosomal recessive cerebellar ataxia. Last evaluated: 2018-01-13. Review status: criteria provided, single submitter. Criteria: ICSL Variant Classification Criteria 13 December 2019. Collection method: clinical testing. Allele origin: germline.

Athena Diagnostics
Classification: Uncertain significance. Last evaluated: 2017-12-04. Review status: criteria provided, single submitter. Criteria: Athena Diagnostics Criteria. Collection method: clinical testing. Allele origin: germline.

Literature cited by the submitters: PubMed 32283748 (cited by Women's Health and Genetics/Laboratory Corporation of America, LabCorp); PubMed 37302426 (cited by Mayo Clinic Laboratories, Mayo Clinic).